The following is an entry in ClinVar:

ClinVar aggregate classification (germline): Uncertain significance. Review status: criteria provided, multiple submitters, no conflicts (2 of 4 stars). 3 submissions from 3 submitters: Uncertain significance (2). 1 of the submissions does not count toward it. Last evaluated 2025-01-08.

Conditions:
Usher syndrome type 1F (USH1F). Also called: USHER SYNDROME, TYPE IF. Identifiers: Orphanet 231169, Orphanet 886, MedGen C1865885, MONDO:0011186, OMIM 602083.

Allele frequency attached by ClinVar (database versions not stated): gnomAD exomes below 0.00001; TOPMed 0.00002.
gnomAD v4.1: 4 of 1,609,186 alleles (0.00025%); highest among the groups gnomAD compares: East Asian, 0.0089%; no homozygotes.

Submissions (3):

Women's Health and Genetics/Laboratory Corporation of America, LabCorp
Classification: Uncertain significance. Last evaluated: 2025-01-08. Review status: criteria provided, single submitter. Criteria: LabCorp Variant Classification Summary - May 2015. Collection method: clinical testing. Allele origin: germline.
Comment: Variant summary: PCDH15 c.1924G>A (p.Asp642Asn) results in a conservative amino acid change located in the Cadherins domain profile domain (IPR002126) of the encoded protein sequence. Four of five in-silico tools predict a damaging effect of the variant on protein function. The variant allele was found at a frequency of 4e-06 in 250426 control chromosomes. The available data on variant occurrences in the general population are insufficient to allow any conclusion about variant significance. c.1924G>A has been reported in the literature in at least one individual affected with hearing loss (Chen_2016). These report(s) do not provide unequivocal conclusions about association of the variant with Usher Syndrome Type 1F. To our knowledge, no experimental evidence demonstrating an impact on protein function has been reported. The following publication have been ascertained in the context of this evaluation (PMID: 27610647). ClinVar contains an entry for this variant (Variation ID: 558168). Based on the evidence outlined above, the variant was classified as uncertain significance.

Broad Center for Mendelian Genomics, Broad Institute of MIT and Harvard
Classification: Uncertain significance for Usher syndrome type 1F. Last evaluated: 2023-01-24. Review status: criteria provided, single submitter. Criteria: ACMG Guidelines, 2015. Collection method: curation. Allele origin: germline. Inheritance: Autosomal recessive inheritance.
Comment: The p.Asp642Asn variant in PCDH15 has been reported in 1 individual with Usher syndrome type 1F (PMID: 27610647) and has been identified in 0.005% (1/18364) of East Asian chromosomes by the Genome Aggregation Database (gnomAD; dbSNP ID: rs1455035148). Although this variant has been seen in the general population in a heterozygous state, its frequency is low enough to be consistent with a recessive carrier frequency. This variant has also been reported in ClinVar (Variation ID#: 558168) and has been interpreted as a variant of uncertain significance by Counsyl. Computational prediction tools and conservation analyses do not provide strong support for or against an impact to the protein. In summary, the clinical significance of the p.Asp642Asn variant is uncertain. ACMG/AMP Criteria applied: PM2_supporting (Richards 2015).

Counsyl
Classification: Uncertain significance for Usher syndrome type 1F. Last evaluated: 2018-05-02. Review status: no assertion criteria provided. Collection method: clinical testing. Allele origin: unknown. Not counted in ClinVar's aggregate classification.

Literature cited by the submitters: PubMed 27610647 (cited by Women's Health and Genetics/Laboratory Corporation of America, LabCorp and Counsyl); PubMed 27058588 (cited by Counsyl).

NM_001384140.1(PCDH15):c.1924G>A (p.Asp642Asn)

Gene: PCDH15 (protocadherin related 15; minus strand). Cytogenetic location: 10q21.1.
Variant type: single nucleotide variant.
Coding change: c.1924G>A on transcript NM_001384140.1 (MANE Select); coding-DNA position 1924, G replaced by A.
Protein change: p.Asp642Asn; replaces aspartic acid 642 with asparagine.
Molecular consequence: missense variant. On other transcripts: intron variant (1).
Genome position (GRCh38, 1-based): chr10:54,090,057, C>T on the plus strand (G>A on the coding strand, the complement: PCDH15 is on the minus strand). VCF-style: chr10-54090057-C-T. GRCh37 (hg19) VCF-style: chr10-55849817-C-T.
Other names: NM_001384140.1(PCDH15):c.1924G>A; p.Asp642Asn; c.1939G>A, p.Asp647Asn (NM_001142763.2, NM_001142771.2); c.1924G>A, p.Asp642Asn (NM_001142764.2, NM_001142766.2, NM_001142770.3 and 5 more transcripts); c.1813G>A, p.Asp605Asn (NM_001142767.2); c.1858G>A, p.Asp620Asn (NM_001142768.2, NM_001142773.2, NM_001354404.2); c.1960G>A, p.Asp654Asn (NM_001142769.4); c.1945G>A, p.Asp649Asn (NM_001354411.2); and 1 more; short protein forms D642N, D649N, D654N, D647N, D605N, D620N.
Identifiers: ClinVar variation 558168 (VCV000558168.6), dbSNP rs1455035148, ClinGen allele CA376523175.
Genomic context (GRCh38, chr10:54,090,057, plus strand): 5'-TAAAAACTCTCTGAGGATCTCCATTCTCAATGGCATATGTTATTGAGTCTCCCTCTCGAT[C>T]AGTTGCCTTCAGAGAGAAAACATAATTCAATTATCAAGTAATTGATATGGCGCCCACTCA-3'
Protein context (NP_001371069.1, residues 632-652): GAVLLNLQAT[Asp642Asn]REGDSITYAI